The following is an entry in ClinVar:

NM_198253.3(TERT):c.1770-7A>G

Gene: TERT (telomerase reverse transcriptase; minus strand). Cytogenetic location: 5p15.33.
Variant type: single nucleotide variant.
Coding change: c.1770-7A>G on transcript NM_198253.3 (MANE Select); 7 bases into the intron before coding-DNA position 1770, A replaced by G.
Molecular consequence: intron variant.
Genome position (GRCh38, 1-based): chr5:1,280,345, T>C on the plus strand (A>G on the coding strand, the complement: TERT is on the minus strand). VCF-style: chr5-1280345-T-C. GRCh37 (hg19) VCF-style: chr5-1280460-T-C.
Other names: c.1770-7A>G (NM_001193376.3).
Identifiers: ClinVar variation 701107 (VCV000701107.13), dbSNP rs373713123, ClinGen allele CA3184759.
Genomic context (GRCh38, chr5:1,280,345, plus strand): 5'-TGCCTGACCTCTGCTTCCGACAGCTCCCGCAGCTGCACCCTCTTCAAGTGCTGTCTGCAA[T>C]AGAGAGCCCCTCAGGAGGCTTGCTCAGCCAGACAACAGACTAGGGGGAAGCTCACGGGAA-3'

ClinVar aggregate classification (germline): Conflicting classifications of pathogenicity. Review status: criteria provided, conflicting classifications (1 of 4 stars). 3 submissions from 3 submitters: Uncertain significance (1); Likely benign (2). Last evaluated 2026-03-05.

Conditions:
Dyskeratosis congenita. Identifiers: Orphanet 1775, MedGen C0265965, MONDO:0015780.
Dyskeratosis congenita, autosomal dominant 2. Identifiers: MedGen C3151443, MONDO:0013521, OMIM 613989.
Idiopathic Pulmonary Fibrosis. Also called: Idiopathic fibrosing alveolitis, chronic form; idiopathic fibrosing alveolitis. Identifiers: Orphanet 2032, MedGen C1800706, MeSH D054990, MONDO:0800504.

Allele frequency attached by ClinVar (database versions not stated): ExAC 0.00002; gnomAD exomes 0.00002; TOPMed 0.00008; gnomAD 0.00011 and 0.00013.
gnomAD v4.1: 47 of 1,612,072 alleles (0.0029%); highest among the groups gnomAD compares: African/African-American, 0.049%; 1 homozygote.

Submissions (3):

Ambry Genetics
Classification: Uncertain significance for Dyskeratosis congenita. Last evaluated: 2026-03-05. Review status: criteria provided, single submitter. Criteria: Ambry Variant Classification Scheme 2023. Collection method: clinical testing. Allele origin: germline.
Comment: The c.1770-7A>G intronic variant results from an A to G substitution 7 nucleotides upstream from coding exon 4 in the TERT gene. This nucleotide position is poorly conserved in available vertebrate species. In silico splice site analysis predicts that this alteration will not have any significant effect on splicing. Based on the available evidence, the clinical significance of this variant remains unclear.

Labcorp Genetics (formerly Invitae), Labcorp
Classification: Likely benign for Dyskeratosis congenita, autosomal dominant 2; Idiopathic Pulmonary Fibrosis. Last evaluated: 2025-12-31. Review status: criteria provided, single submitter. Criteria: Invitae Variant Classification Sherloc (09022015). Collection method: clinical testing. Allele origin: germline.

Blueprint Genetics
Classification: Likely benign. Last evaluated: 2022-11-30. Review status: criteria provided, single submitter. Criteria: ACMG Guidelines, 2015. Collection method: clinical testing. Allele origin: germline.